The following is an entry in ClinVar:

NM_147127.5(EVC2):c.711_717del (p.Asp238fs)

Gene: EVC2 (EvC ciliary complex subunit 2; minus strand). Cytogenetic location: 4p16.2.
Variant type: Deletion.
Coding change: c.711_717del on transcript NM_147127.5 (MANE Select); coding-DNA positions 711 to 717, 7 bases deleted (AGATGCC; older notation c.711_717delAGATGCC).
Protein change: p.Asp238fs; shifts the reading frame from aspartic acid 238.
Molecular consequence: frameshift variant.
Genome position (GRCh38, 1-based): chr4:5,685,469-5,685,475, GGCATCT deleted on the plus strand (AGATGCC on the coding strand, the reverse complement: EVC2 is on the minus strand). VCF-style (leftmost placement, unchanged base first): chr4-5685468-AGGCATCT-A. GRCh37 (hg19) VCF-style: chr4-5687195-AGGCATCT-A.
Other names: c.471_477del, p.Asp158fs (NM_001166136.2); short protein forms D158fs, D238fs.
Identifiers: ClinVar variation 1724716 (VCV001724716.2), dbSNP rs2475579060, ClinGen allele CA2580070768.
Genomic context (GRCh38, chr4:5,685,468, plus strand): 5'-TGAGGCTCTCCCCGTTCCCGAGGTCTCCAGCCTGGAGCGTGGCTGCGTAGCTGACAGCAA[AGGCATCT>A]CCCACTGCGCAGAGAAAAGCACATGTGACTCAGGGAGGGCTTGGCCACGCCCCCGGCTGC-3'

ClinVar aggregate classification (germline): Likely pathogenic (1 of 4 stars; one submission).

Conditions:
Ellis-van Creveld syndrome (EVC). Also called: EVC-Related Ellis-van Creveld Syndrome; EVC2-Related Ellis-van Creveld Syndrome; MESOECTODERMAL DYSPLASIA; Chondroectodermal dysplasia. Identifiers: Orphanet 289, MedGen C0013903, MONDO:0009162, OMIM 225500.

Submission:

Myriad Genetics, Inc.
Classification: Likely pathogenic for Ellis-van Creveld syndrome. Last evaluated: 2022-02-25. Review status: criteria provided, single submitter. Criteria: Myriad Women's Health Autosomal Recessive and X-Linked Classification Criteria (2021). Collection method: clinical testing. Allele origin: unknown.
Comment: NM_147127.4(EVC2):c.711_717del7(D238Lfs*38) is expected to be pathogenic in the context of EVC2-related Ellis-van Creveld syndrome. This variant is predicted to lead to an abnormal or absent protein product due to the creation of a premature termination codon in EVC2, a gene where loss-of-function variants are known to be pathogenic. Please note: this variant was assessed in the context of healthy population screening.